The following is an entry in ClinVar:

NM_000384.3(APOB):c.10852del (p.Gln3618fs)

Gene: APOB (apolipoprotein B; minus strand). Cytogenetic location: 2p24.1.
Variant type: Deletion.
Coding change: c.10852del on transcript NM_000384.3 (MANE Select); coding-DNA position 10852, one base deleted (C; older notation c.10852delC).
Protein change: p.Gln3618fs; shifts the reading frame from glutamine 3618.
Molecular consequence: frameshift variant.
Genome position (GRCh38, 1-based): chr2:21,006,016, G deleted on the plus strand (C on the coding strand, the reverse complement: APOB is on the minus strand); the first of 2 consecutive G bases (chr2:21,006,016-21,006,017); deleting either gives the same sequence. VCF-style (leftmost placement, unchanged base first): chr2-21006015-TG-T. GRCh37 (hg19) VCF-style: chr2-21228887-TG-T.
Other names: short protein forms Q3618fs.
Identifiers: ClinVar variation 2925964 (VCV002925964.3), dbSNP rs1663126920, ClinGen allele CA1028204003.

ClinVar aggregate classification (germline): Pathogenic (1 of 4 stars; one submission).

Conditions:
Hypercholesterolemia, autosomal dominant, type B (FHCL2). Also called: APOB-Related Familial Hypercholesterolemia, Autosomal Dominant; Familial Hypercholesterolemia Type B; APOLIPOPROTEIN B-100, FAMILIAL DEFECTIVE; APOLIPOPROTEIN B-100, FAMILIAL LIGAND-DEFECTIVE; HYPERCHOLESTEROLEMIA, FAMILIAL, DUE TO LIGAND-DEFECTIVE APOLIPOPROTEIN B; Hyperlipoproteinemia Type IIb. Identifiers: MedGen C1704417, MONDO:0007751, OMIM 144010.
Familial hypobetalipoproteinemia 1. Also called: Hypobetalipoproteinemia, normotriglyceridemic; Acanthocytosis with hypobetalipoproteinemia; APOB-Related Familial Hypobetalipoproteinemia. Identifiers: MedGen C4551990, MONDO:0014252, OMIM 615558.

Submission:

Labcorp Genetics (formerly Invitae), Labcorp
Classification: Pathogenic for Familial hypobetalipoproteinemia 1; Hypercholesterolemia, autosomal dominant, type B. Last evaluated: 2024-01-13. Review status: criteria provided, single submitter. Criteria: Invitae Variant Classification Sherloc (09022015). Collection method: clinical testing. Allele origin: germline.
Comment: This sequence change creates a premature translational stop signal (p.Gln3618Argfs*5) in the APOB gene. It is expected to result in an absent or disrupted protein product. Loss-of-function variants in APOB are known to be pathogenic (PMID: 20032471). This variant is not present in population databases (gnomAD no frequency). This variant has not been reported in the literature in individuals affected with APOB-related conditions. For these reasons, this variant has been classified as Pathogenic.

Literature cited by the submitters: PubMed 20032471.